The following is an entry in ClinVar:

ClinVar aggregate classification (germline): Likely benign (1 of 4 stars; one submission).

Allele frequency attached by ClinVar (database versions not stated): gnomAD exomes below 0.00001.
gnomAD v4.1: 4 of 1,614,154 alleles (0.00025%); highest among the groups gnomAD compares: Admixed American, 0.0017%; no homozygotes.

Submission:

CeGaT Center for Human Genetics Tuebingen
Classification: Likely benign. Last evaluated: 2024-01-01. Review status: criteria provided, single submitter. Criteria: CeGaT Center For Human Genetics Tuebingen Variant Classification Criteria Version 2. Collection method: clinical testing. Allele origin: germline. Affected: yes. Observed: 1 variant allele.
Comment: MORC2: BP4, BP7

NM_001303256.3(MORC2):c.1401G>A (p.Glu467=)

Gene: MORC2 (MORC family CW-type zinc finger 2; minus strand). Cytogenetic location: 22q12.2.
Variant type: single nucleotide variant.
Coding change: c.1401G>A on transcript NM_001303256.3 (MANE Select); coding-DNA position 1401, G replaced by A.
Protein change: p.Glu467=; no amino-acid change (glutamic acid 467 retained).
Molecular consequence: synonymous variant.
Genome position (GRCh38, 1-based): chr22:30,937,680, C>T on the plus strand (G>A on the coding strand, the complement: MORC2 is on the minus strand). VCF-style: chr22-30937680-C-T. GRCh37 (hg19) VCF-style: chr22-31333667-C-T.
Other names: c.1401G>A, p.Glu467= (NM_001303257.2); c.1215G>A, p.Glu405= (NM_014941.3).
Identifiers: ClinVar variation 3027016 (VCV003027016.22), dbSNP rs1420591465, ClinGen allele CA514457656.